The following is an entry in ClinVar:

ClinVar aggregate classification (germline): Uncertain significance (1 of 4 stars; one submission).

Conditions:
Hereditary cancer-predisposing syndrome. Also called: Neoplastic Syndromes, Hereditary; Tumor predisposition; Hereditary neoplastic syndrome; Hereditary Cancer Syndrome. Identifiers: Orphanet 140162, MedGen C0027672, MeSH D009386, MONDO:0015356.

gnomAD v4.1: 1 of 1,613,850 alleles (0.000062%); highest among the groups gnomAD compares: Non-Finnish European, 0.000085%; no homozygotes.

Submission:

Ambry Genetics
Classification: Uncertain significance for Hereditary cancer-predisposing syndrome. Last evaluated: 2022-11-10. Review status: criteria provided, single submitter. Criteria: Ambry Variant Classification Scheme 2023. Collection method: clinical testing. Allele origin: germline.
Comment: The p.T936P variant (also known as c.2806A>C), located in coding exon 12 of the MET gene, results from an A to C substitution at nucleotide position 2806. The threonine at codon 936 is replaced by proline, an amino acid with highly similar properties. This amino acid position is conserved. In addition, the in silico prediction for this alteration is inconclusive. Since supporting evidence is limited at this time, the clinical significance of this alteration remains unclear.

NM_000245.4(MET):c.2752A>C (p.Thr918Pro)

Gene: MET (MET proto-oncogene, receptor tyrosine kinase; plus strand). Cytogenetic location: 7q31.2.
Variant type: single nucleotide variant.
Coding change: c.2752A>C on transcript NM_000245.4 (MANE Select); coding-DNA position 2752, A replaced by C.
Protein change: p.Thr918Pro; replaces threonine 918 with proline.
Molecular consequence: missense variant.
Genome position (GRCh38, 1-based): chr7:116,771,519, A>C. VCF-style: chr7-116771519-A-C. GRCh37 (hg19) VCF-style: chr7-116411573-A-C.
Other names: c.2806A>C, p.Thr936Pro (NM_001127500.3); c.1462A>C, p.Thr488Pro (NM_001324402.2); short protein forms T918P, T488P, T936P.
Identifiers: ClinVar variation 2453379 (VCV002453379.2), dbSNP rs746865243, ClinGen allele CA368986262.